The following is an entry in ClinVar:

ClinVar aggregate classification (germline): Uncertain significance (1 of 4 stars; one submission).

Submission:

Labcorp Genetics (formerly Invitae), Labcorp
Classification: Uncertain significance. Last evaluated: 2023-10-25. Review status: criteria provided, single submitter. Criteria: Invitae Variant Classification Sherloc (09022015). Collection method: clinical testing. Allele origin: germline.
Comment: This sequence change replaces arginine, which is basic and polar, with threonine, which is neutral and polar, at codon 643 of the MCM4 protein (p.Arg643Thr). This variant also falls at the last nucleotide of exon 12, which is part of the consensus splice site for this exon. This variant is not present in population databases (gnomAD no frequency). This variant has not been reported in the literature in individuals affected with MCM4-related conditions. An algorithm developed to predict the effect of missense changes on protein structure and function (PolyPhen-2) suggests that this variant is likely to be disruptive. Variants that disrupt the consensus splice site are a relatively common cause of aberrant splicing (PMID: 17576681, 9536098). Algorithms developed to predict the effect of sequence changes on RNA splicing suggest that this variant may disrupt the consensus splice site. In summary, the available evidence is currently insufficient to determine the role of this variant in disease. Therefore, it has been classified as a Variant of Uncertain Significance.

Literature cited by the submitters: PubMed 17576681; PubMed 9536098.

NM_182746.3(MCM4):c.1928G>C (p.Arg643Thr)

Gene: MCM4 (minichromosome maintenance complex component 4; plus strand). Cytogenetic location: 8q11.21.
Variant type: single nucleotide variant.
Coding change: c.1928G>C on transcript NM_182746.3 (MANE Select); coding-DNA position 1928, G replaced by C.
Protein change: p.Arg643Thr; replaces arginine 643 with threonine.
Molecular consequence: missense variant.
Genome position (GRCh38, 1-based): chr8:47,971,468, G>C. VCF-style: chr8-47971468-G-C. GRCh37 (hg19) VCF-style: chr8-48884028-G-C.
Other names: c.1928G>C, p.Arg643Thr (NM_005914.4); short protein forms R643T.
Identifiers: ClinVar variation 2771816 (VCV002771816.3), dbSNP rs2551884814, ClinGen allele CA371153740.